The following is an entry in ClinVar:

NM_012106.4(ARL2BP):c.182T>C (p.Ile61Thr)

Gene: ARL2BP (ARF like GTPase 2 binding protein; plus strand). Cytogenetic location: 16q13.
Variant type: single nucleotide variant.
Coding change: c.182T>C on transcript NM_012106.4 (MANE Select); coding-DNA position 182, T replaced by C.
Protein change: p.Ile61Thr; replaces isoleucine 61 with threonine.
Molecular consequence: missense variant.
Genome position (GRCh38, 1-based): chr16:57,248,618, T>C. VCF-style: chr16-57248618-T-C. GRCh37 (hg19) VCF-style: chr16-57282530-T-C.
Other names: short protein forms I61T.
Identifiers: ClinVar variation 1014509 (VCV001014509.8), dbSNP rs1316390719, ClinGen allele CA396021817.

ClinVar aggregate classification (germline): Uncertain significance (1 of 4 stars; one submission).

Allele frequency attached by ClinVar (database versions not stated): gnomAD exomes below 0.00001 and 0.00001; TOPMed 0.00001.
gnomAD v4.1: 4 of 1,592,946 alleles (0.00025%); highest among the groups gnomAD compares: African/African-American, 0.0027%; no homozygotes.

Submission:

Labcorp Genetics (formerly Invitae), Labcorp
Classification: Uncertain significance. Last evaluated: 2022-11-08. Review status: criteria provided, single submitter. Criteria: Invitae Variant Classification Sherloc (09022015). Collection method: clinical testing. Allele origin: germline.
Comment: This sequence change replaces isoleucine, which is neutral and non-polar, with threonine, which is neutral and polar, at codon 61 of the ARL2BP protein (p.Ile61Thr). In summary, the available evidence is currently insufficient to determine the role of this variant in disease. Therefore, it has been classified as a Variant of Uncertain Significance. Algorithms developed to predict the effect of missense changes on protein structure and function output the following: SIFT: "Tolerated"; PolyPhen-2: "Benign"; Align-GVGD: "Class C0". The threonine amino acid residue is found in multiple mammalian species, which suggests that this missense change does not adversely affect protein function. ClinVar contains an entry for this variant (Variation ID: 1014509). This variant has not been reported in the literature in individuals affected with ARL2BP-related conditions. The frequency data for this variant in the population databases is considered unreliable, as metrics indicate poor data quality at this position in the gnomAD database.